The following is an entry in ClinVar:

ClinVar aggregate classification (germline): Uncertain significance (1 of 4 stars; one submission).

Submission:

CeGaT Center for Human Genetics Tuebingen
Classification: Uncertain significance. Last evaluated: 2026-07-01. Review status: criteria provided, single submitter. Criteria: CeGaT Center For Human Genetics Tuebingen Variant Classification Criteria Version 2. Collection method: clinical testing. Allele origin: germline. Affected: yes. Observed: 1 variant allele.
Comment: LONP1: PM2

NM_004793.4(LONP1):c.1081A>G (p.Lys361Glu)

Gene: LONP1 (lon peptidase 1, mitochondrial; minus strand). Cytogenetic location: 19p13.3.
Variant type: single nucleotide variant.
Coding change: c.1081A>G on transcript NM_004793.4 (MANE Select); coding-DNA position 1081, A replaced by G.
Protein change: p.Lys361Glu; replaces lysine 361 with glutamic acid.
Molecular consequence: missense variant. On other transcripts: non-coding transcript variant (1).
Genome position (GRCh38, 1-based): chr19:5,707,125, T>C on the plus strand (A>G on the coding strand, the complement: LONP1 is on the minus strand). VCF-style: chr19-5707125-T-C. GRCh37 (hg19) VCF-style: chr19-5707136-T-C.
Other names: c.889A>G, p.Lys297Glu (NM_001276479.2); c.493A>G, p.Lys165Glu (NM_001276480.1); short protein forms K165E, K297E, K361E.
Identifiers: ClinVar variation 4874282 (VCV004874282.2).
Genomic context (GRCh38, chr19:5,707,125, plus strand): 5'-GCCCCAGGCGCTGCTGCAGCTTGCTCAGTTCAAATTCCTTCTTCAGCAGGGAGAGGGCCT[T>C]GTACAGCCGCTTAGGAATCTGCCGAGACAGGGAGGACAGAAAGGATGAGCAGAAGTCGGC-3'
Protein context (NP_004784.2, residues 351-371): EETNIPKRLY[Lys361Glu]ALSLLKKEFE